The following is an entry in ClinVar:

NM_012418.4(FSCN2):c.1463C>T (p.Ala488Val)

Gene: FSCN2 (fascin actin-bundling protein 2, retinal; plus strand). Cytogenetic location: 17q25.3.
Variant type: single nucleotide variant.
Coding change: c.1463C>T on transcript NM_012418.4 (MANE Select); coding-DNA position 1463, C replaced by T.
Protein change: p.Ala488Val; replaces alanine 488 with valine.
Molecular consequence: missense variant.
Genome position (GRCh38, 1-based): chr17:81,537,064, C>T. VCF-style: chr17-81537064-C-T. GRCh37 (hg19) VCF-style: chr17-79504090-C-T.
Other names: c.1535C>T, p.Ala512Val (NM_001077182.3); short protein forms A488V, A512V.
Identifiers: ClinVar variation 837387 (VCV000837387.24), dbSNP rs752007056, ClinGen allele CA8837148.

ClinVar aggregate classification (germline): Conflicting classifications of pathogenicity. Review status: criteria provided, conflicting classifications (1 of 4 stars). 4 submissions from 4 submitters: Uncertain significance (3); Likely benign (1). Last evaluated 2025-12-23.

Allele frequency attached by ClinVar (database versions not stated): 1000 Genomes Project 30x 0.00016; gnomAD exomes 0.00045 and 0.00092; TOPMed 0.00047; ExAC 0.00110.

Submissions (4):

Labcorp Genetics (formerly Invitae), Labcorp
Classification: Uncertain significance. Last evaluated: 2025-12-23. Review status: criteria provided, single submitter. Criteria: Invitae Variant Classification Sherloc (09022015). Collection method: clinical testing. Allele origin: germline.
Comment: This sequence change replaces alanine, which is neutral and non-polar, with valine, which is neutral and non-polar, at codon 512 of the FSCN2 protein (p.Ala512Val). This variant is present in population databases (rs752007056, gnomAD 0.1%), and has an allele count higher than expected for a pathogenic variant. This variant has not been reported in the literature in individuals affected with FSCN2-related conditions. ClinVar contains an entry for this variant (Variation ID: 837387). An algorithm developed to predict the effect of missense changes on protein structure and function (PolyPhen-2) suggests that this variant is likely to be disruptive. In summary, the available evidence is currently insufficient to determine the role of this variant in disease. Therefore, it has been classified as a Variant of Uncertain Significance.

CeGaT Center for Human Genetics Tuebingen
Classification: Likely benign. Last evaluated: 2024-11-01. Review status: criteria provided, single submitter. Criteria: CeGaT Center For Human Genetics Tuebingen Variant Classification Criteria Version 2. Collection method: clinical testing. Allele origin: germline. Affected: yes. Observed: 1 variant allele.
Comment: FSCN2: BS2

Ambry Genetics
Classification: Uncertain significance. Last evaluated: 2021-10-06. Review status: criteria provided, single submitter. Criteria: Ambry Variant Classification Scheme 2023. Collection method: clinical testing. Allele origin: germline.

Breakthrough Genomics
Classification: Uncertain significance. Review status: criteria provided, single submitter. Criteria: ACMG Guidelines, 2015. Collection method: not provided. Allele origin: germline. Inheritance: Unknown mechanism. Affected: yes.